The following is an entry in ClinVar:

ClinVar aggregate classification (germline): Uncertain significance (1 of 4 stars; one submission).

Conditions:
KBG syndrome (KBGS). Also called: ANKRD11-Related KBG Syndrome. Identifiers: Orphanet 2332, MedGen C0220687, MONDO:0007846, OMIM 148050.

Submission:

Labcorp Genetics (formerly Invitae), Labcorp
Classification: Uncertain significance for KBG syndrome. Last evaluated: 2025-03-06. Review status: criteria provided, single submitter. Criteria: Invitae Variant Classification Sherloc (09022015). Collection method: clinical testing. Allele origin: germline.
Comment: This sequence change replaces tyrosine, which is neutral and polar, with asparagine, which is neutral and polar, at codon 2648 of the ANKRD11 protein (p.Tyr2648Asn). This variant is not present in population databases (gnomAD no frequency). This variant has not been reported in the literature in individuals affected with ANKRD11-related conditions. Invitae Evidence Modeling of protein sequence and biophysical properties (such as structural, functional, and spatial information, amino acid conservation, physicochemical variation, residue mobility, and thermodynamic stability) indicates that this missense variant is expected to disrupt ANKRD11 protein function with a positive predictive value of 95%. In summary, the available evidence is currently insufficient to determine the role of this variant in disease. Therefore, it has been classified as a Variant of Uncertain Significance.

NM_013275.6(ANKRD11):c.7942T>A (p.Tyr2648Asn)

Gene: ANKRD11 (ankyrin repeat domain 11; minus strand). Cytogenetic location: 16q24.3.
Variant type: single nucleotide variant.
Coding change: c.7942T>A on transcript NM_013275.6 (MANE Select); coding-DNA position 7942, T replaced by A.
Protein change: p.Tyr2648Asn; replaces tyrosine 2648 with asparagine.
Molecular consequence: missense variant.
Genome position (GRCh38, 1-based): chr16:89,268,528, A>T on the plus strand (T>A on the coding strand, the complement: ANKRD11 is on the minus strand). VCF-style: chr16-89268528-A-T. GRCh37 (hg19) VCF-style: chr16-89334936-A-T.
Other names: c.7942T>A, p.Tyr2648Asn (NM_001256182.2, NM_001256183.2); short protein forms Y2648N.
Identifiers: ClinVar variation 4802785 (VCV004802785.1).